The following is an entry in ClinVar:

ClinVar aggregate classification (germline): Uncertain significance (1 of 4 stars; one submission).

Submission:

Labcorp Genetics (formerly Invitae), Labcorp
Classification: Uncertain significance. Last evaluated: 2025-09-03. Review status: criteria provided, single submitter. Criteria: Invitae Variant Classification Sherloc (09022015). Collection method: clinical testing. Allele origin: germline.
Comment: This sequence change replaces histidine, which is basic and polar, with glutamine, which is neutral and polar, at codon 36 of the MRPL12 protein (p.His36Gln). This variant is present in population databases (rs747241710, gnomAD 0.009%). This variant has not been reported in the literature in individuals affected with MRPL12-related conditions. An algorithm developed to predict the effect of missense changes on protein structure and function (PolyPhen-2) suggests that this variant is likely to be tolerated. In summary, the available evidence is currently insufficient to determine the role of this variant in disease. Therefore, it has been classified as a Variant of Uncertain Significance.

NM_002949.4(MRPL12):c.108T>A (p.His36Gln)

Gene: MRPL12 (mitochondrial ribosomal protein L12; plus strand). Cytogenetic location: 17q25.3.
Variant type: single nucleotide variant.
Coding change: c.108T>A on transcript NM_002949.4 (MANE Select); coding-DNA position 108, T replaced by A.
Protein change: p.His36Gln; replaces histidine 36 with glutamine.
Molecular consequence: missense variant.
Genome position (GRCh38, 1-based): chr17:81,704,277, T>A. VCF-style: chr17-81704277-T-A. GRCh37 (hg19) VCF-style: chr17-79671307-T-A.
Other names: short protein forms H36Q.
Identifiers: ClinVar variation 4691399 (VCV004691399.1).